The following is an entry in ClinVar:

ClinVar aggregate classification (germline): Uncertain significance (1 of 4 stars; one submission).

Conditions:
Familial hypocalciuric hypercalcemia (FHH). Also called: Familial benign hypercalcemia. Identifiers: Orphanet 405, MedGen C1809471, MONDO:0018458.
Autosomal dominant hypocalcemia 1 (HYPOC1). Also called: HYPOCALCEMIA, FAMILIAL. Identifiers: MedGen C3715128, MONDO:0011013, OMIM 601198.

Submission:

Labcorp Genetics (formerly Invitae), Labcorp
Classification: Uncertain significance for Familial hypocalciuric hypercalcemia; Autosomal dominant hypocalcemia 1. Last evaluated: 2021-11-11. Review status: criteria provided, single submitter. Criteria: Invitae Variant Classification Sherloc (09022015). Collection method: clinical testing. Allele origin: germline.
Comment: This sequence change replaces glutamic acid, which is acidic and polar, with glutamine, which is neutral and polar, at codon 572 of the CASR protein (p.Glu572Gln). This variant is not present in population databases (gnomAD no frequency). This variant has not been reported in the literature in individuals affected with CASR-related conditions. Algorithms developed to predict the effect of missense changes on protein structure and function are either unavailable or do not agree on the potential impact of this missense change (SIFT: "Deleterious"; PolyPhen-2: "Possibly Damaging"; Align-GVGD: "Class C0"). In summary, the available evidence is currently insufficient to determine the role of this variant in disease. Therefore, it has been classified as a Variant of Uncertain Significance.

NM_000388.4(CASR):c.1714G>C (p.Glu572Gln)

Gene: CASR (calcium sensing receptor; plus strand). Cytogenetic location: 3q21.1.
Variant type: single nucleotide variant.
Coding change: c.1714G>C on transcript NM_000388.4 (MANE Select); coding-DNA position 1714, G replaced by C.
Protein change: p.Glu572Gln; replaces glutamic acid 572 with glutamine.
Molecular consequence: missense variant.
Genome position (GRCh38, 1-based): chr3:122,282,218, G>C. VCF-style: chr3-122282218-G-C. GRCh37 (hg19) VCF-style: chr3-122001065-G-C.
Other names: c.1744G>C, p.Glu582Gln (NM_001178065.2); short protein forms E572Q, E582Q.
Identifiers: ClinVar variation 1392660 (VCV001392660.6), dbSNP rs2107648387, ClinGen allele CA354156338.